The following is an entry in ClinVar:

NC_000011.9:g.(?_61197619)_(61552680_?)del

Genes: DAGLA (diacylglycerol lipase alpha; plus strand), LRRC10B (leucine rich repeat containing 10B; plus strand), MYRF (myelin regulatory factor; plus strand), SAXO4 (stabilizer of axonemal microtubules 4; plus strand), SDHAF2 (succinate dehydrogenase complex assembly factor 2; plus strand) and 1 more. Cytogenetic location: 11q12.2.
Variant type: Deletion.
Identifiers: ClinVar variation 2426363 (VCV002426363.3).

ClinVar aggregate classification (germline): Pathogenic (1 of 4 stars; one submission).

Conditions:
Hereditary pheochromocytoma and paraganglioma. Also called: Hereditary paragangliomas and pheochromocytomas; Hereditary Paraganglioma-Pheochromocytoma Syndromes; Hereditary pheochromocytoma-paraganglioma. Identifiers: Orphanet 29072, MedGen C4274332, MONDO:0017366.

Submission:

Labcorp Genetics (formerly Invitae), Labcorp
Classification: Pathogenic for Hereditary pheochromocytoma and paraganglioma. Last evaluated: 2022-01-23. Review status: criteria provided, single submitter. Criteria: Invitae Variant Classification Sherloc (09022015). Collection method: clinical testing. Allele origin: germline.
Comment: For these reasons, this variant has been classified as Pathogenic. This variant has not been reported in the literature in individuals affected with SDHAF2-related conditions. A gross deletion of the genomic region encompassing the full coding sequence of the SDHAF2 gene has been identified. Loss-of-function variants in SDHAF2 are known to be pathogenic (PMID: 22241717, 26096992). The boundaries of this event are unknown as they extend beyond the assayed region for this gene and therefore may encompass additional genes.

Literature cited by the submitters: PubMed 22241717; PubMed 26096992.